The following is an entry in ClinVar:

ClinVar aggregate classification (germline): Uncertain significance (1 of 4 stars; one submission).

Conditions:
Hereditary hemorrhagic telangiectasia (HHT). Also called: ORW DISEASE; Osler Weber Rendu syndrome; OSLER-RENDU-WEBER DISEASE; Osler hemorrhagic telangiectasia syndrome. Identifiers: Orphanet 774, MedGen C0039445, MONDO:0019180. Disease mechanism: loss of function.

gnomAD v4.1: 3 of 1,614,088 alleles (0.00019%); highest among the groups gnomAD compares: Non-Finnish European, 0.00025%; no homozygotes.

Submission:

Labcorp Genetics (formerly Invitae), Labcorp
Classification: Uncertain significance for Hereditary hemorrhagic telangiectasia. Last evaluated: 2024-04-30. Review status: criteria provided, single submitter. Criteria: Invitae Variant Classification Sherloc (09022015). Collection method: clinical testing. Allele origin: germline.
Comment: This sequence change replaces serine, which is neutral and polar, with arginine, which is basic and polar, at codon 104 of the ENG protein (p.Ser104Arg). This variant is not present in population databases (gnomAD no frequency). This variant has not been reported in the literature in individuals affected with ENG-related conditions. ClinVar contains an entry for this variant (Variation ID: 1462840). Advanced modeling of protein sequence and biophysical properties (such as structural, functional, and spatial information, amino acid conservation, physicochemical variation, residue mobility, and thermodynamic stability) performed at Invitae indicates that this missense variant is not expected to disrupt ENG protein function with a negative predictive value of 95%. In summary, the available evidence is currently insufficient to determine the role of this variant in disease. Therefore, it has been classified as a Variant of Uncertain Significance.

NM_001114753.3(ENG):c.310A>C (p.Ser104Arg)

Gene: ENG (endoglin; minus strand). Cytogenetic location: 9q34.11.
Variant type: single nucleotide variant.
Coding change: c.310A>C on transcript NM_001114753.3 (MANE Select); coding-DNA position 310, A replaced by C.
Protein change: p.Ser104Arg; replaces serine 104 with arginine.
Molecular consequence: missense variant. On other transcripts: 5 prime UTR variant (1).
Genome position (GRCh38, 1-based): chr9:127,829,737, T>G on the plus strand (A>C on the coding strand, the complement: ENG is on the minus strand). VCF-style: chr9-127829737-T-G. GRCh37 (hg19) VCF-style: chr9-130592016-T-G.
Other names: c.310A>C, p.Ser104Arg (NM_000118.4, NM_001406715.1); c.-237A>C (NM_001278138.2); short protein forms S104R.
Identifiers: ClinVar variation 1462840 (VCV001462840.7), dbSNP rs757343854, ClinGen allele CA374985943.